The following is an entry in ClinVar:

ClinVar aggregate classification (germline): Conflicting classifications of pathogenicity. Review status: criteria provided, conflicting classifications (1 of 4 stars). 2 submissions from 2 submitters: Uncertain significance (1); Likely benign (1). Last evaluated 2025-11-13.

Conditions:
EXT2-related disorder. Also called: EXT2-related condition.
Exostoses, multiple, type 2 (EXT2). Also called: Hereditary Multiple Osteochondromatosis, Type II; EXOSTOSES, MULTIPLE, TYPE II. Identifiers: Orphanet 321, MedGen C1851413, MONDO:0007586, OMIM 133701.

Allele frequency attached by ClinVar (database versions not stated): TOPMed below 0.00001; gnomAD exomes 0.00001; ExAC 0.00002.
gnomAD v4.1: 3 of 1,614,170 alleles (0.00019%); highest among the groups gnomAD compares: Admixed American, 0.005%; no homozygotes.

Submissions (2):

PreventionGenetics, part of Exact Sciences
Classification: Uncertain significance for EXT2-related condition. Last evaluated: 2025-11-13. Review status: criteria provided, single submitter. Criteria: ACMG Guidelines, 2015. Collection method: clinical testing. Allele origin: germline.
Comment: The EXT2 c.1180T>G variant is predicted to result in the amino acid substitution p.Trp394Gly. To our knowledge, this variant has not been reported in the literature. This variant is reported in 0.0087% of alleles in individuals of Latino descent in gnomAD. At this time, the clinical significance of this variant is uncertain due to the absence of conclusive functional and genetic evidence.

Labcorp Genetics (formerly Invitae), Labcorp
Classification: Likely benign for Exostoses, multiple, type 2. Last evaluated: 2022-12-29. Review status: criteria provided, single submitter. Criteria: Invitae Variant Classification Sherloc (09022015). Collection method: clinical testing. Allele origin: germline.

NM_207122.2(EXT2):c.1180T>G (p.Trp394Gly)

Gene: EXT2 (exostosin glycosyltransferase 2; plus strand). Cytogenetic location: 11p11.2.
Variant type: single nucleotide variant.
Coding change: c.1180T>G on transcript NM_207122.2 (MANE Select); coding-DNA position 1180, T replaced by G.
Protein change: p.Trp394Gly; replaces tryptophan 394 with glycine.
Molecular consequence: missense variant. On other transcripts: intron variant (1).
Genome position (GRCh38, 1-based): chr11:44,171,617, T>G. VCF-style: chr11-44171617-T-G. GRCh37 (hg19) VCF-style: chr11-44193167-T-G.
Other names: c.1279T>G, p.Trp427Gly (NM_000401.3); c.1180T>G, p.Trp394Gly (NM_001389628.1, NM_001389630.1); c.1267-57T>G (NM_001178083.3); short protein forms W394G, W427G.
Identifiers: ClinVar variation 719812 (VCV000719812.7), dbSNP rs769052712, ClinGen allele CA5955188.